The following is an entry in ClinVar:

ClinVar aggregate classification (germline): Uncertain significance (1 of 4 stars; one submission).

Conditions:
Intellectual developmental disorder, X-linked 1. Also called: Atkin Flaitz Patil Smith syndrome; Intellectual disability, X-linked 1; MENTAL RETARDATION, X-LINKED 18; MENTAL RETARDATION, X-LINKED 78. Identifiers: Orphanet 777, MedGen C2931498, MONDO:0010656, OMIM 309530.

Submission:

Labcorp Genetics (formerly Invitae), Labcorp
Classification: Uncertain significance for Intellectual developmental disorder, X-linked 1. Last evaluated: 2023-12-11. Review status: criteria provided, single submitter. Criteria: Invitae Variant Classification Sherloc (09022015). Collection method: clinical testing. Allele origin: germline.
Comment: This sequence change replaces lysine, which is basic and polar, with arginine, which is basic and polar, at codon 1099 of the IQSEC2 protein (p.Lys1099Arg). This variant is not present in population databases (gnomAD no frequency). This variant has not been reported in the literature in individuals affected with IQSEC2-related conditions. Advanced modeling of protein sequence and biophysical properties (such as structural, functional, and spatial information, amino acid conservation, physicochemical variation, residue mobility, and thermodynamic stability) performed at Invitae indicates that this missense variant is not expected to disrupt IQSEC2 protein function with a negative predictive value of 95%. In summary, the available evidence is currently insufficient to determine the role of this variant in disease. Therefore, it has been classified as a Variant of Uncertain Significance.

NM_001111125.3(IQSEC2):c.3296A>G (p.Lys1099Arg)

Gene: IQSEC2 (IQ motif and Sec7 domain ArfGEF 2; minus strand). Cytogenetic location: Xp11.22.
Variant type: single nucleotide variant.
Coding change: c.3296A>G on transcript NM_001111125.3 (MANE Select); coding-DNA position 3296, A replaced by G.
Protein change: p.Lys1099Arg; replaces lysine 1099 with arginine.
Molecular consequence: missense variant.
Genome position (GRCh38, 1-based): chrX:53,236,477, T>C on the plus strand (A>G on the coding strand, the complement: IQSEC2 is on the minus strand). VCF-style: chrX-53236477-T-C. GRCh37 (hg19) VCF-style: chrX-53265659-T-C.
Other names: c.3296A>G, p.Lys1099Arg (NM_001410736.1); c.2681A>G, p.Lys894Arg (NM_015075.2); short protein forms K894R, K1099R.
Identifiers: ClinVar variation 2984113 (VCV002984113.3), dbSNP rs2519690691, ClinGen allele CA413145596.